The following is an entry in ClinVar:

ClinVar aggregate classification (germline): Uncertain significance (1 of 4 stars; one submission).

Submission:

Labcorp Genetics (formerly Invitae), Labcorp
Classification: Uncertain significance. Last evaluated: 2021-10-17. Review status: criteria provided, single submitter. Criteria: Invitae Variant Classification Sherloc (09022015). Collection method: clinical testing. Allele origin: germline.
Comment: This sequence change replaces glycine with glutamic acid at codon 969 of the CTR9 protein (p.Gly969Glu). The glycine residue is moderately conserved and there is a moderate physicochemical difference between glycine and glutamic acid. This variant has not been reported in the literature in individuals affected with CTR9-related conditions. In summary, the available evidence is currently insufficient to determine the role of this variant in disease. Therefore, it has been classified as a Variant of Uncertain Significance. Algorithms developed to predict the effect of missense changes on protein structure and function are either unavailable or do not agree on the potential impact of this missense change (SIFT: "Tolerated"; PolyPhen-2: "Probably Damaging"; Align-GVGD: "Class C0"). This variant is not present in population databases (ExAC no frequency).

NM_014633.5(CTR9):c.2906G>A (p.Gly969Glu)

Gene: CTR9 (CTR9 component of Paf1/RNA polymerase II complex; plus strand). Cytogenetic location: 11p15.4.
Variant type: single nucleotide variant.
Coding change: c.2906G>A on transcript NM_014633.5 (MANE Select); coding-DNA position 2906, G replaced by A.
Protein change: p.Gly969Glu; replaces glycine 969 with glutamic acid.
Molecular consequence: missense variant.
Genome position (GRCh38, 1-based): chr11:10,775,227, G>A. VCF-style: chr11-10775227-G-A. GRCh37 (hg19) VCF-style: chr11-10796774-G-A.
Other names: c.2834G>A, p.Gly945Glu (NM_001346279.2); short protein forms G945E, G969E.
Identifiers: ClinVar variation 1465202 (VCV001465202.6), dbSNP rs2135385174, ClinGen allele CA379677886.